The following is an entry in ClinVar:

ClinVar aggregate classification (germline): Conflicting classifications of pathogenicity. Review status: criteria provided, conflicting classifications (1 of 4 stars). 4 submissions from 4 submitters: Uncertain significance (1); Likely benign (2). 1 of the submissions does not count toward it. Last evaluated 2026-01-02.

Conditions:
PEX5-related disorder. Also called: PEX5-related condition; PEX5-Related Disorders.
Peroxisome biogenesis disorder 2A (Zellweger) (PBD2A). Also called: Cerebrohepatorenal syndrome, variant types. Identifiers: Orphanet 912, MedGen C3550273, MONDO:0008954, OMIM 214110.
Peroxisome biogenesis disorder 2B (PBD2B). Identifiers: Orphanet 44, MedGen C3550234, MONDO:0008736, OMIM 202370.

Allele frequency attached by ClinVar (database versions not stated): ExAC 0.00002; gnomAD 0.00005 and 0.00006; gnomAD exomes 0.00005 and 0.00006; TOPMed 0.00005; ESP Exome Variant Server 0.00008.
gnomAD v4.1: 100 of 1,614,094 alleles (0.0062%); highest among the groups gnomAD compares: Middle Eastern, 0.016%; no homozygotes.

Submissions (4):

Labcorp Genetics (formerly Invitae), Labcorp
Classification: Likely benign for Peroxisome biogenesis disorder 2B. Last evaluated: 2026-01-02. Review status: criteria provided, single submitter. Criteria: Invitae Variant Classification Sherloc (09022015). Collection method: clinical testing. Allele origin: germline.

Blueprint Genetics
Classification: Likely benign. Last evaluated: 2024-10-23. Review status: criteria provided, single submitter. Criteria: ACMG Guidelines, 2015. Collection method: clinical testing. Allele origin: germline.

Illumina Laboratory Services, Illumina
Classification: Uncertain significance for Peroxisome biogenesis disorder 2A (Zellweger). Last evaluated: 2017-04-28. Review status: criteria provided, single submitter. Criteria: ICSL Variant Classification Criteria 13 December 2019. Collection method: clinical testing. Allele origin: germline.

PreventionGenetics, part of Exact Sciences
Classification: Likely benign for PEX5-related condition. Last evaluated: 2024-01-31. Review status: no assertion criteria provided. Collection method: clinical testing. Allele origin: germline. Not counted in ClinVar's aggregate classification.
Comment: This variant is classified as likely benign based on ACMG/AMP sequence variant interpretation guidelines (Richards et al. 2015 PMID: 25741868, with internal and published modifications).

NM_001351132.2(PEX5):c.1800G>A (p.Ser600=)

Gene: PEX5 (peroxisomal biogenesis factor 5; plus strand). Cytogenetic location: 12p13.31.
Variant type: single nucleotide variant.
Coding change: c.1800G>A on transcript NM_001351132.2 (MANE Select); coding-DNA position 1800, G replaced by A.
Protein change: p.Ser600=; no amino-acid change (serine 600 retained).
Molecular consequence: synonymous variant.
Genome position (GRCh38, 1-based): chr12:7,210,103, G>A. VCF-style: chr12-7210103-G-A. GRCh37 (hg19) VCF-style: chr12-7362699-G-A.
Other names: c.1776G>A, p.Ser592= (NM_000319.5); c.1845G>A, p.Ser615= (NM_001131023.2); c.1689G>A, p.Ser563= (NM_001131024.2, NM_001351124.3, NM_001351126.2 and 7 more transcripts); c.1800G>A, p.Ser600= (NM_001131025.2, NM_001131026.2, NM_001300789.3 and 4 more transcripts); c.1734G>A, p.Ser578= (NM_001351135.3, NM_001351138.2); c.1791G>A, p.Ser597= (NM_001351136.2); c.1665G>A, p.Ser555= (NM_001351139.2, NM_001351140.2, NM_001374649.2).
Identifiers: ClinVar variation 728603 (VCV000728603.17), dbSNP rs370306007, ClinGen allele CA6426594.